The following is an entry in ClinVar:

NM_001754.5(RUNX1):c.160G>A (p.Glu54Lys)

Gene: RUNX1 (RUNX family transcription factor 1; minus strand). Cytogenetic location: 21q22.12.
Variant type: single nucleotide variant.
Coding change: c.160G>A on transcript NM_001754.5 (MANE Select); coding-DNA position 160, G replaced by A.
Protein change: p.Glu54Lys; replaces glutamic acid 54 with lysine.
Molecular consequence: missense variant.
Genome position (GRCh38, 1-based): chr21:34,887,034, C>T on the plus strand (G>A on the coding strand, the complement: RUNX1 is on the minus strand). VCF-style: chr21-34887034-C-T. GRCh37 (hg19) VCF-style: chr21-36259331-C-T.
Other names: NM_001754.5(RUNX1):c.160G>A; p.Glu54Lys; c.79G>A, p.Glu27Lys (NM_001001890.3, NM_001122607.2); short protein forms E27K, E54K.
Identifiers: ClinVar variation 2113692 (VCV002113692.5), dbSNP rs2146413491, ClinGen allele CA410204071.
Genomic context (GRCh38, chr21:34,887,034, plus strand): 5'-CGCTCCTCAGCTTGCCGGCCAGGGCAGCGCCGGCGTCCGGGGCGCCCAGCGGCAACGCCT[C>T]GCTCATCTTGCCTGGGCTCAGCGCGGTGGAAGGCGGCGTGAAGCGGCGGCTCGTGCTGGC-3'
Protein context (NP_001745.2, residues 44-64): STALSPGKMS[Glu54Lys]ALPLGAPDAG

ClinVar aggregate classification (germline): Uncertain significance. Review status: reviewed by expert panel (3 of 4 stars). 2 submissions from 2 submitters: Uncertain significance (1). 1 of the submissions does not count toward it. Last evaluated 2025-01-15.

Conditions:
Hereditary thrombocytopenia and hematological cancer predisposition syndrome associated with RUNX1. Also called: Familial Platelet Disorder with Propensity to Acute Myelogenous Leukemia; Familial thrombocytopenia with propensity to acute myelogenous leukemia; PLATELET DISORDER, ASPIRIN-LIKE; RUNX1 Familial Platelet Disorder with Associated Myeloid Malignancies. Identifiers: Orphanet 71290, MedGen C1832388, MeSH C563324, MONDO:0100083, OMIM 601399.
Hereditary thrombocytopenia and hematologic cancer predisposition syndrome. Identifiers: Orphanet 71290, MedGen CN281654, MONDO:0011071.

Submissions (2):

ClinGen Myeloid Malignancy Variant Curation Expert Panel
Classification: Uncertain significance for Hereditary thrombocytopenia and hematologic cancer predisposition syndrome. Last evaluated: 2025-01-15. Review status: reviewed by expert panel. Criteria: ClinGen MyeloMalig ACMG Specifications v2. Collection method: curation. Allele origin: germline. Inheritance: Autosomal dominant inheritance.
Comment: NM_001754.5(RUNX1):c.160G>A (p.Glu54Lys) is a missense variant which is completely absent from all population databases with at least 20x coverage for RUNX1 (PM2_Supporting). In summary, the clinical significance of this variant is uncertain. ACMG/AMP criteria applied, as specified by the Myeloid Malignancy Variant Curation Expert Panel for RUNX1: PM2_Supporting.

Labcorp Genetics (formerly Invitae), Labcorp
Classification: Uncertain significance for Hereditary thrombocytopenia and hematological cancer predisposition syndrome associated with RUNX1. Last evaluated: 2022-03-18. Review status: criteria provided, single submitter. Criteria: Invitae Variant Classification Sherloc (09022015). Collection method: clinical testing. Allele origin: germline. Not counted in ClinVar's aggregate classification.
Comment: This variant is not present in population databases (gnomAD no frequency). This sequence change replaces glutamic acid, which is acidic and polar, with lysine, which is basic and polar, at codon 54 of the RUNX1 protein (p.Glu54Lys). This variant has not been reported in the literature in individuals affected with RUNX1-related conditions. Algorithms developed to predict the effect of missense changes on protein structure and function are either unavailable or do not agree on the potential impact of this missense change (SIFT: "Tolerated"; PolyPhen-2: "Possibly Damaging"; Align-GVGD: "Class C0"). In summary, the available evidence is currently insufficient to determine the role of this variant in disease. Therefore, it has been classified as a Variant of Uncertain Significance.